The following is an entry in ClinVar:

ClinVar aggregate classification (germline): Uncertain significance (1 of 4 stars; one submission).

Submission:

Labcorp Genetics (formerly Invitae), Labcorp
Classification: Uncertain significance. Last evaluated: 2021-12-02. Review status: criteria provided, single submitter. Criteria: Invitae Variant Classification Sherloc (09022015). Collection method: clinical testing. Allele origin: germline.
Comment: In summary, the available evidence is currently insufficient to determine the role of this variant in disease. Therefore, it has been classified as a Variant of Uncertain Significance. Algorithms developed to predict the effect of missense changes on protein structure and function are either unavailable or do not agree on the potential impact of this missense change (SIFT: "Deleterious"; PolyPhen-2: "Benign"; Align-GVGD: "Class C0"). This variant has not been reported in the literature in individuals affected with ADAMTS10-related conditions. This variant is not present in population databases (gnomAD no frequency). This sequence change replaces serine, which is neutral and polar, with glycine, which is neutral and non-polar, at codon 959 of the ADAMTS10 protein (p.Ser959Gly).

NM_030957.4(ADAMTS10):c.2875A>G (p.Ser959Gly)

Gene: ADAMTS10 (ADAM metallopeptidase with thrombospondin type 1 motif 10; minus strand). Cytogenetic location: 19p13.2.
Variant type: single nucleotide variant.
Coding change: c.2875A>G on transcript NM_030957.4 (MANE Select); coding-DNA position 2875, A replaced by G.
Protein change: p.Ser959Gly; replaces serine 959 with glycine.
Molecular consequence: missense variant.
Genome position (GRCh38, 1-based): chr19:8,585,299, T>C on the plus strand (A>G on the coding strand, the complement: ADAMTS10 is on the minus strand). VCF-style: chr19-8585299-T-C. GRCh37 (hg19) VCF-style: chr19-8650183-T-C.
Other names: c.1336A>G, p.Ser446Gly (NM_001282352.2); short protein forms S446G, S959G.
Identifiers: ClinVar variation 1487054 (VCV001487054.6), dbSNP rs2146039279, ClinGen allele CA403748781.